The following is an entry in ClinVar:

ClinVar aggregate classification (germline): Uncertain significance (1 of 4 stars; one submission).

Conditions:
Hereditary cancer-predisposing syndrome. Also called: Neoplastic Syndromes, Hereditary; Tumor predisposition; Hereditary neoplastic syndrome; Hereditary Cancer Syndrome. Identifiers: Orphanet 140162, MedGen C0027672, MeSH D009386, MONDO:0015356.

Submission:

Ambry Genetics
Classification: Uncertain significance for Hereditary cancer-predisposing syndrome. Last evaluated: 2025-06-05. Review status: criteria provided, single submitter. Criteria: Ambry Variant Classification Scheme 2023. Collection method: clinical testing. Allele origin: germline.
Comment: The p.P106S variant (also known as c.316C>T), located in coding exon 1 of the ALK gene, results from a C to T substitution at nucleotide position 316. The proline at codon 106 is replaced by serine, an amino acid with similar properties. This amino acid position is conserved. In addition, this alteration is predicted to be tolerated by in silico analysis. Based on the available evidence, the clinical significance of this variant remains unclear.

NM_004304.5(ALK):c.316C>T (p.Pro106Ser)

Gene: ALK (ALK receptor tyrosine kinase; minus strand). Cytogenetic location: 2p23.1.
Variant type: single nucleotide variant.
Coding change: c.316C>T on transcript NM_004304.5 (MANE Select); coding-DNA position 316, C replaced by T.
Protein change: p.Pro106Ser; replaces proline 106 with serine.
Molecular consequence: missense variant.
Genome position (GRCh38, 1-based): chr2:29,920,344, G>A on the plus strand (C>T on the coding strand, the complement: ALK is on the minus strand). VCF-style: chr2-29920344-G-A. GRCh37 (hg19) VCF-style: chr2-30143210-G-A.
Other names: short protein forms P106S.
Identifiers: ClinVar variation 4041126 (VCV004041126.1).